The following is an entry in ClinVar:

NM_000126.4(ETFA):c.734-20C>A

Gene: ETFA (electron transfer flavoprotein subunit alpha; minus strand). Cytogenetic location: 15q24.2.
Variant type: single nucleotide variant.
Coding change: c.734-20C>A on transcript NM_000126.4 (MANE Select); 20 bases into the intron before coding-DNA position 734, C replaced by A.
Molecular consequence: intron variant.
Genome position (GRCh38, 1-based): chr15:76,274,514, G>T on the plus strand (C>A on the coding strand, the complement: ETFA is on the minus strand). VCF-style: chr15-76274514-G-T. GRCh37 (hg19) VCF-style: chr15-76566855-G-T.
Other names: c.587-20C>A (NM_001127716.2).
Identifiers: ClinVar variation 137225 (VCV000137225.12), dbSNP rs2460160, ClinGen allele CA290760.

ClinVar aggregate classification (germline): Benign. Review status: criteria provided, multiple submitters, no conflicts (2 of 4 stars). 4 submissions from 4 submitters: Benign (4). Last evaluated 2026-02-02.

Conditions:
Multiple acyl-CoA dehydrogenase deficiency (MADD). Also called: Glutaric aciduria, type 2; Glutaric acidemia type II; GA 2; ETHYLMALONIC-ADIPICACIDURIA; GA II; Glutaric Acidemia type 2. Identifiers: Orphanet 26791, MedGen C0268596, MONDO:0009282, OMIM 231680.

Allele frequency attached by ClinVar (database versions not stated): gnomAD exomes 0.00075 and 0.00189; ExAC 0.00320; gnomAD 0.00725 and 0.00787; TOPMed 0.00770; ESP Exome Variant Server 0.00778; 1000 Genomes Project 0.00839; 1000 Genomes Project 30x 0.00906.
gnomAD v4.1: 2,232 of 1,591,882 alleles (0.14%); highest among the groups gnomAD compares: African/African-American, 2.5%; 33 homozygotes.

Submissions (4):

Labcorp Genetics (formerly Invitae), Labcorp
Classification: Benign for Multiple acyl-CoA dehydrogenase deficiency. Last evaluated: 2026-02-02. Review status: criteria provided, single submitter. Criteria: Invitae Variant Classification Sherloc (09022015). Collection method: clinical testing. Allele origin: germline.

ARUP Laboratories, Molecular Genetics and Genomics, ARUP Laboratories
Classification: Benign for Multiple acyl-CoA dehydrogenase deficiency. Last evaluated: 2023-11-22. Review status: criteria provided, single submitter. Criteria: ARUP Molecular Germline Variant Investigation Process 2024. Collection method: clinical testing. Allele origin: germline.

GeneDx
Classification: Benign. Last evaluated: 2012-11-28. Review status: criteria provided, single submitter. Criteria: GeneDx Variant Classification (06012015). Collection method: clinical testing. Allele origin: germline. Affected: yes.
Comment: This variant is considered likely benign or benign based on one or more of the following criteria: it is a conservative change, it occurs at a poorly conserved position in the protein, it is predicted to be benign by multiple in silico algorithms, and/or has population frequency not consistent with disease.

Breakthrough Genomics
Classification: Benign. Review status: criteria provided, single submitter. Criteria: ACMG Guidelines, 2015. Collection method: not provided. Allele origin: germline. Inheritance: Autosomal recessive inheritance. Affected: yes.